The following is an entry in ClinVar:

NM_001365536.1(SCN9A):c.3289G>T (p.Asp1097Tyr)

Genes: SCN1A-AS1 (SCN1A and SCN9A antisense RNA 1; plus strand), SCN9A (sodium voltage-gated channel alpha subunit 9; minus strand). Cytogenetic location: 2q24.3.
Variant type: single nucleotide variant.
Coding change: c.3289G>T on transcript NM_001365536.1 (MANE Select); coding-DNA position 3289, G replaced by T.
Protein change: p.Asp1097Tyr; replaces aspartic acid 1097 with tyrosine.
Molecular consequence: missense variant.
Genome position (GRCh38, 1-based): chr2:166,272,461, C>A on the plus strand (G>T on the coding strand, the complement: SCN9A is on the minus strand). VCF-style: chr2-166272461-C-A. GRCh37 (hg19) VCF-style: chr2-167128971-C-A.
Other names: c.3256G>T, p.Asp1086Tyr (NM_002977.4); short protein forms D1086Y, D1097Y.
Identifiers: ClinVar variation 1016307 (VCV001016307.11), dbSNP rs768654039, ClinGen allele CA1944105.

ClinVar aggregate classification (germline): Uncertain significance. Review status: criteria provided, multiple submitters, no conflicts (2 of 4 stars). 2 submissions from 2 submitters: Uncertain significance (2). Last evaluated 2025-04-28.

Conditions:
Generalized epilepsy with febrile seizures plus, type 7 (GEFSP7). Also called: GEFS+, TYPE 7. Identifiers: Orphanet 36387, MedGen C2751778, MONDO:0013470, OMIM 613863.
Neuropathy, hereditary sensory and autonomic, type 2A (HSAN2A). Also called: ACROOSTEOLYSIS, GIACCAI TYPE; ACROOSTEOLYSIS, NEUROGENIC; MORVAN DISEASE; NEUROPATHY, CONGENITAL SENSORY; NEUROPATHY, HEREDITARY SENSORY RADICULAR, AUTOSOMAL RECESSIVE; NEUROPATHY, HEREDITARY SENSORY, TYPE IIA. Identifiers: Orphanet 970, MedGen C2752089, MONDO:0024309, OMIM 201300.
Inborn genetic diseases. Identifiers: MedGen C0950123, MeSH D030342.

gnomAD v4.1: 9 of 1,611,488 alleles (0.00056%); highest among the groups gnomAD compares: South Asian, 0.0033%; no homozygotes.

Submissions (2):

Labcorp Genetics (formerly Invitae), Labcorp
Classification: Uncertain significance for Neuropathy, hereditary sensory and autonomic, type 2A; Generalized epilepsy with febrile seizures plus, type 7. Last evaluated: 2025-04-28. Review status: criteria provided, single submitter. Criteria: Invitae Variant Classification Sherloc (09022015). Collection method: clinical testing. Allele origin: germline.
Comment: This sequence change replaces aspartic acid, which is acidic and polar, with tyrosine, which is neutral and polar, at codon 1086 of the SCN9A protein (p.Asp1086Tyr). This variant is present in population databases (rs768654039, gnomAD 0.003%). This variant has not been reported in the literature in individuals affected with SCN9A-related conditions. ClinVar contains an entry for this variant (Variation ID: 1016307). Invitae Evidence Modeling of protein sequence and biophysical properties (such as structural, functional, and spatial information, amino acid conservation, physicochemical variation, residue mobility, and thermodynamic stability) indicates that this missense variant is not expected to disrupt SCN9A protein function with a negative predictive value of 95%. In summary, the available evidence is currently insufficient to determine the role of this variant in disease. Therefore, it has been classified as a Variant of Uncertain Significance.

Ambry Genetics
Classification: Uncertain significance for Inborn genetic diseases. Last evaluated: 2019-11-01. Review status: criteria provided, single submitter. Criteria: Ambry Variant Classification Scheme 2023. Collection method: clinical testing. Allele origin: germline.
Comment: The p.D1086Y variant (also known as c.3256G>T), located in coding exon 16 of the SCN9A gene, results from a G to T substitution at nucleotide position 3256. The aspartic acid at codon 1086 is replaced by tyrosine, an amino acid with highly dissimilar properties. This amino acid position is highly conserved in available vertebrate species. In addition, this alteration is predicted to be deleterious by in silico analysis. Since supporting evidence is limited at this time, the clinical significance of this alteration remains unclear.